The following is an entry in ClinVar:

ClinVar aggregate classification (germline): Uncertain significance. Review status: criteria provided, multiple submitters, no conflicts (2 of 4 stars). 4 submissions from 4 submitters: Uncertain significance (4). Last evaluated 2026-01-06.

Conditions:
Hereditary cancer-predisposing syndrome. Also called: Tumor predisposition; Hereditary Cancer Syndrome; Neoplastic Syndromes, Hereditary; Hereditary neoplastic syndrome. Identifiers: Orphanet 140162, MedGen C0027672, MeSH D009386, MONDO:0015356.
Endometrial carcinoma. Also called: Endometrial carcinoma, somatic. Identifiers: MedGen C0476089, MONDO:0002447, OMIM 608089, HP:0012114.

Allele frequency attached by ClinVar (database versions not stated): gnomAD exomes 0.00001 and 0.00002; TOPMed 0.00003; ExAC 0.00004; gnomAD 0.00005.
gnomAD v4.1: 22 of 1,613,016 alleles (0.0014%); highest among the groups gnomAD compares: African/African-American, 0.008%; no homozygotes.

Submissions (4):

Labcorp Genetics (formerly Invitae), Labcorp
Classification: Uncertain significance. Last evaluated: 2026-01-06. Review status: criteria provided, single submitter. Criteria: Invitae Variant Classification Sherloc (09022015). Collection method: clinical testing. Allele origin: germline.
Comment: This sequence change replaces arginine, which is basic and polar, with glutamine, which is neutral and polar, at codon 328 of the MSH3 protein (p.Arg328Gln). This variant is present in population databases (rs201336852, gnomAD 0.02%). This variant has not been reported in the literature in individuals affected with MSH3-related conditions. ClinVar contains an entry for this variant (Variation ID: 823502). An algorithm developed to predict the effect of missense changes on protein structure and function (PolyPhen-2) suggests that this variant is likely to be disruptive. RNA analysis performed to evaluate the impact of this missense change on mRNA splicing indicates it does not significantly alter splicing (internal data). In summary, the available evidence is currently insufficient to determine the role of this variant in disease. Therefore, it has been classified as a Variant of Uncertain Significance.

GeneDx
Classification: Uncertain significance. Last evaluated: 2025-03-04. Review status: criteria provided, single submitter. Criteria: GeneDx Variant Classification Process June 2021. Collection method: clinical testing. Allele origin: germline. Affected: yes.
Comment: In silico analysis supports that this missense variant has a deleterious effect on protein structure/function; Has not been previously published as pathogenic or benign to our knowledge

Baylor Genetics
Classification: Uncertain significance for Endometrial carcinoma. Last evaluated: 2024-03-21. Review status: criteria provided, single submitter. Criteria: ACMG Guidelines, 2015. Collection method: clinical testing. Allele origin: unknown.

Ambry Genetics
Classification: Uncertain significance for Hereditary cancer-predisposing syndrome. Last evaluated: 2024-03-14. Review status: criteria provided, single submitter. Criteria: Ambry Variant Classification Scheme 2023. Collection method: clinical testing. Allele origin: germline.
Comment: The p.R328Q variant (also known as c.983G>A), located in coding exon 6 of the MSH3 gene, results from a G to A substitution at nucleotide position 983. The arginine at codon 328 is replaced by glutamine, an amino acid with highly similar properties. This amino acid position is highly conserved in available vertebrate species. In addition, this alteration is predicted to be deleterious by in silico analysis. Since supporting evidence is limited at this time, the clinical significance of this alteration remains unclear.

NM_002439.5(MSH3):c.983G>A (p.Arg328Gln)

Genes: MSH3 (mutS homolog 3; plus strand), LOC126807437 (MED14-independent group 3 enhancer GRCh37_chr5:79968379-79969578; plus strand). Cytogenetic location: 5q14.1.
Variant type: single nucleotide variant.
Coding change: c.983G>A on transcript NM_002439.5 (MANE Select); coding-DNA position 983, G replaced by A.
Protein change: p.Arg328Gln; replaces arginine 328 with glutamine.
Molecular consequence: missense variant.
Genome position (GRCh38, 1-based): chr5:80,672,814, G>A. VCF-style: chr5-80672814-G-A. GRCh37 (hg19) VCF-style: chr5-79968633-G-A.
Other names: short protein forms R328Q.
Identifiers: ClinVar variation 823502 (VCV000823502.14), dbSNP rs201336852, ClinGen allele CA3327759.